The following is an entry in ClinVar:

ClinVar aggregate classification (germline): Likely pathogenic (1 of 4 stars; one submission).

Allele frequency attached by ClinVar (database versions not stated): gnomAD exomes 0.00001; gnomAD 0.00001; ExAC 0.00003; ESP Exome Variant Server 0.00008.
gnomAD v4.1: 5 of 1,600,404 alleles (0.00031%); highest among the groups gnomAD compares: Non-Finnish European, 0.00034%; no homozygotes.

Submission:

GeneDx
Classification: Likely pathogenic. Last evaluated: 2022-02-16. Review status: criteria provided, single submitter. Criteria: GeneDx Variant Classification Process June 2021. Collection method: clinical testing. Allele origin: germline. Affected: yes.
Comment: Canonical splice site variant expected to result in aberrant splicing, although in the absence of functional evidence the actual effect of this sequence change is unknown.; Not observed at a significant frequency in large population cohorts (gnomAD); Has not been previously published as pathogenic or benign to our knowledge

NM_005876.5(SPEG):c.8026+1G>A

Genes: ASIC4-AS1 (ASIC4 antisense RNA 1; minus strand), SPEG (striated muscle enriched protein kinase; plus strand). Cytogenetic location: 2q35.
Variant type: single nucleotide variant.
Coding change: c.8026+1G>A on transcript NM_005876.5 (MANE Select); the canonical splice donor site of the intron after coding-DNA position 8026, G replaced by A.
Molecular consequence: splice donor variant.
Genome position (GRCh38, 1-based): chr2:219,488,666, G>A. VCF-style: chr2-219488666-G-A. GRCh37 (hg19) VCF-style: chr2-220353388-G-A.
Identifiers: ClinVar variation 1342778 (VCV001342778.2), dbSNP rs370534000, ClinGen allele CA2127355.